The following is an entry in ClinVar:

NM_139285.4(GAS2L2):c.771C>T (p.Gly257=)

Genes: GAS2L2 (growth arrest specific 2 like 2; minus strand), LOC130060735 (ATAC-STARR-seq lymphoblastoid active region 12079; plus strand). Cytogenetic location: 17q12.
Variant type: single nucleotide variant.
Coding change: c.771C>T on transcript NM_139285.4 (MANE Select); coding-DNA position 771, C replaced by T.
Protein change: p.Gly257=; no amino-acid change (glycine 257 retained).
Molecular consequence: synonymous variant.
Genome position (GRCh38, 1-based): chr17:35,747,910, G>A on the plus strand (C>T on the coding strand, the complement: GAS2L2 is on the minus strand). VCF-style: chr17-35747910-G-A. GRCh37 (hg19) VCF-style: chr17-34074929-G-A.
Identifiers: ClinVar variation 3048388 (VCV003048388.3), dbSNP rs142586247, ClinGen allele CA8506293.

ClinVar aggregate classification (germline): Likely benign. Review status: criteria provided, single submitter (1 of 4 stars). 2 submissions from 2 submitters: Likely benign (1). 1 of the submissions does not count toward it. Last evaluated 2024-10-23.

Conditions:
GAS2L2-related disorder. Also called: GAS2L2-related condition.

Allele frequency attached by ClinVar (database versions not stated): 1000 Genomes Project 0.00060; 1000 Genomes Project 30x 0.00062; ESP Exome Variant Server 0.00069.

Submissions (2):

Blueprint Genetics
Classification: Likely benign. Last evaluated: 2024-10-23. Review status: criteria provided, single submitter. Criteria: ACMG Guidelines, 2015. Collection method: clinical testing. Allele origin: germline.

PreventionGenetics, part of Exact Sciences
Classification: Likely benign for GAS2L2-related condition. Last evaluated: 2019-11-25. Review status: no assertion criteria provided. Collection method: clinical testing. Allele origin: germline. Not counted in ClinVar's aggregate classification.
Comment: This variant is classified as likely benign based on ACMG/AMP sequence variant interpretation guidelines (Richards et al. 2015 PMID: 25741868, with internal and published modifications).